The following is an entry in ClinVar:

NM_147130.3(NCR3):c.13C>T (p.Leu5=)

Gene: NCR3 (natural cytotoxicity triggering receptor 3; minus strand). Cytogenetic location: 6p21.33.
Variant type: single nucleotide variant.
Coding change: c.13C>T on transcript NM_147130.3 (MANE Select); coding-DNA position 13, C replaced by T.
Protein change: p.Leu5=; no amino-acid change (leucine 5 retained).
Molecular consequence: synonymous variant.
Genome position (GRCh38, 1-based): chr6:31,592,709, G>A on the plus strand (C>T on the coding strand, the complement: NCR3 is on the minus strand). VCF-style: chr6-31592709-G-A. GRCh37 (hg19) VCF-style: chr6-31560486-G-A.
Other names: c.13C>T, p.Leu5= (NM_001145466.2, NM_001145467.2).
Identifiers: ClinVar variation 3044589 (VCV003044589.2), dbSNP rs111995403, ClinGen allele CA3714696.

ClinVar aggregate classification (germline): Likely benign (0 of 4 stars; one submission).

Conditions:
NCR3-related disorder. Also called: NCR3-related condition.

Allele frequency attached by ClinVar (database versions not stated): ExAC 0.00015; gnomAD 0.00017; TOPMed 0.00019; ESP Exome Variant Server 0.00024; gnomAD exomes 0.00031.

Submission:

PreventionGenetics, part of Exact Sciences
Classification: Likely benign for NCR3-related condition. Last evaluated: 2019-11-04. Review status: no assertion criteria provided. Collection method: clinical testing. Allele origin: germline.
Comment: This variant is classified as likely benign based on ACMG/AMP sequence variant interpretation guidelines (Richards et al. 2015 PMID: 25741868, with internal and published modifications).